The following is an entry in ClinVar:

NM_000143.4(FH):c.1100T>C (p.Ile367Thr)

Gene: FH (fumarate hydratase; minus strand). Cytogenetic location: 1q43.
Variant type: single nucleotide variant.
Coding change: c.1100T>C on transcript NM_000143.4 (MANE Select); coding-DNA position 1100, T replaced by C.
Protein change: p.Ile367Thr; replaces isoleucine 367 with threonine.
Molecular consequence: missense variant.
Genome position (GRCh38, 1-based): chr1:241,504,050, A>G on the plus strand (T>C on the coding strand, the complement: FH is on the minus strand). VCF-style: chr1-241504050-A-G. GRCh37 (hg19) VCF-style: chr1-241667350-A-G.
Other names: short protein forms I367T.
Identifiers: ClinVar variation 4808510 (VCV004808510.1).

ClinVar aggregate classification (germline): Uncertain significance (1 of 4 stars; one submission).

Submission:

Labcorp Genetics (formerly Invitae), Labcorp
Classification: Uncertain significance. Last evaluated: 2025-02-04. Review status: criteria provided, single submitter. Criteria: Invitae Variant Classification Sherloc (09022015). Collection method: clinical testing. Allele origin: germline.
Comment: This sequence change replaces isoleucine, which is neutral and non-polar, with threonine, which is neutral and polar, at codon 367 of the FH protein (p.Ile367Thr). This variant is not present in population databases (gnomAD no frequency). This variant has not been reported in the literature in individuals affected with FH-related conditions. Invitae Evidence Modeling of protein sequence and biophysical properties (such as structural, functional, and spatial information, amino acid conservation, physicochemical variation, residue mobility, and thermodynamic stability) indicates that this missense variant is expected to disrupt FH protein function with a positive predictive value of 95%. In summary, the available evidence is currently insufficient to determine the role of this variant in disease. Therefore, it has been classified as a Variant of Uncertain Significance.